The following is an entry in ClinVar:

ClinVar aggregate classification (germline): Pathogenic (1 of 4 stars; one submission).

Conditions:
Hypoplastic enamel-onycholysis-hypohidrosis syndrome (TNS). Also called: Tooth-and-Nail Syndrome; NAIL DYSPLASIA WITH HYPODONTIA; WITKOP SYNDROME; ECTODERMAL DYSPLASIA 3, WITKOP TYPE; ECTODERMAL DYSPLASIA 3, TOOTH/NAIL TYPE. Identifiers: Orphanet 2228, MedGen C0406735, MONDO:0008582, OMIM 189500.

Submission:

Labcorp Genetics (formerly Invitae), Labcorp
Classification: Pathogenic for Hypoplastic enamel-onycholysis-hypohidrosis syndrome. Last evaluated: 2019-03-18. Review status: criteria provided, single submitter. Criteria: Invitae Variant Classification Sherloc (09022015). Collection method: clinical testing. Allele origin: germline.
Comment: For these reasons, this variant has been classified as Pathogenic. This variant disrupts the C-terminus of the MSX1 protein. Other variant(s) that disrupt this region (p.Asn222Lysfs*118, p.Gln221*) have been determined to be pathogenic (PMID: 23991204, Invitae). This suggests that variants that disrupt this region of the protein are likely to be causative of disease. This variant has not been reported in the literature in individuals with MSX1-related conditions. This variant is not present in population databases (ExAC no frequency). This sequence change results in a frameshift in the MSX1 gene (p.Trp219Profs*119). While this is not anticipated to result in nonsense mediated decay, it is expected to disrupt the last 85 amino acids of the MSX1 protein and extend the protein by an additional 33 amino acids.

Literature cited by the submitters: PubMed 23991204.

NM_002448.3(MSX1):c.655_659del (p.Trp219fs)

Gene: MSX1 (msh homeobox 1; plus strand). Cytogenetic location: 4p16.2.
Variant type: Deletion.
Coding change: c.655_659del on transcript NM_002448.3 (MANE Select); coding-DNA positions 655 to 659, 5 bases deleted (TGGTT; older notation c.655_659delTGGTT).
Protein change: p.Trp219fs; shifts the reading frame from tryptophan 219.
Molecular consequence: frameshift variant.
Genome position (GRCh38, 1-based): chr4:4,862,886-4,862,890, TGGTT deleted. VCF-style (leftmost placement, unchanged base first): chr4-4862885-ATGGTT-A. GRCh37 (hg19) VCF-style: chr4-4864612-ATGGTT-A.
Other names: short protein forms W219fs.
Identifiers: ClinVar variation 845306 (VCV000845306.9), dbSNP rs1737950187, ClinGen allele CA916082630.
Genomic context (GRCh38, chr4:4,862,885, plus strand): 5'-CATCGCCGAGCGCGCGGAGTTCTCCAGCTCGCTCAGCCTCACTGAGACGCAGGTGAAGAT[ATGGTT>A]CCAGAACCGCCGCGCCAAGGCAAAGAGACTACAAGAGGCAGAGCTGGAGAAGCTGAAGAT-3'